The following is an entry in ClinVar:

ClinVar aggregate classification (germline): Uncertain significance. Review status: criteria provided, multiple submitters, no conflicts (2 of 4 stars). 3 submissions from 3 submitters: Uncertain significance (3). Last evaluated 2025-05-16.

Conditions:
CTNNA1-related disorder. Also called: CTNNA1-related condition.
Hereditary cancer-predisposing syndrome. Also called: Neoplastic Syndromes, Hereditary; Hereditary Cancer Syndrome; Tumor predisposition; Hereditary neoplastic syndrome. Identifiers: Orphanet 140162, MedGen C0027672, MeSH D009386, MONDO:0015356.

Allele frequency attached by ClinVar (database versions not stated): gnomAD exomes below 0.00001.
gnomAD v4.1: 2 of 1,611,476 alleles (0.00012%); highest among the groups gnomAD compares: Non-Finnish European, 0.000085%; no homozygotes.

Submissions (3):

Ambry Genetics
Classification: Uncertain significance for Hereditary cancer-predisposing syndrome. Last evaluated: 2025-05-16. Review status: criteria provided, single submitter. Criteria: Ambry Variant Classification Scheme 2023. Collection method: clinical testing. Allele origin: germline.
Comment: The p.A434P variant (also known as c.1300G>C), located in coding exon 9 of the CTNNA1 gene, results from a G to C substitution at nucleotide position 1300. The alanine at codon 434 is replaced by proline, an amino acid with highly similar properties. This amino acid position is highly conserved in available vertebrate species. In addition, this alteration is predicted to be deleterious by in silico analysis. Based on the available evidence, the clinical significance of this variant remains unclear.

PreventionGenetics, part of Exact Sciences
Classification: Uncertain significance for CTNNA1-related condition. Last evaluated: 2024-11-27. Review status: criteria provided, single submitter. Criteria: ACMG Guidelines, 2015. Collection method: clinical testing. Allele origin: germline.
Comment: The CTNNA1 c.1300G>C variant is predicted to result in the amino acid substitution p.Ala434Pro. To our knowledge, this variant has not been reported in the literature or in a large population database (gnomAD), indicating this variant is rare. This variant has been classified as having uncertain clinical significance in ClinVar. At this time, the clinical significance of this variant is uncertain due to the absence of conclusive functional and genetic evidence.

Labcorp Genetics (formerly Invitae), Labcorp
Classification: Uncertain significance. Last evaluated: 2024-08-20. Review status: criteria provided, single submitter. Criteria: Invitae Variant Classification Sherloc (09022015). Collection method: clinical testing. Allele origin: germline.
Comment: This sequence change replaces alanine, which is neutral and non-polar, with proline, which is neutral and non-polar, at codon 434 of the CTNNA1 protein (p.Ala434Pro). This variant is not present in population databases (gnomAD no frequency). This variant has not been reported in the literature in individuals affected with CTNNA1-related conditions. ClinVar contains an entry for this variant (Variation ID: 953983). Invitae Evidence Modeling of protein sequence and biophysical properties (such as structural, functional, and spatial information, amino acid conservation, physicochemical variation, residue mobility, and thermodynamic stability) indicates that this missense variant is expected to disrupt CTNNA1 protein function with a positive predictive value of 80%. In summary, the available evidence is currently insufficient to determine the role of this variant in disease. Therefore, it has been classified as a Variant of Uncertain Significance.

NM_001903.5(CTNNA1):c.1300G>C (p.Ala434Pro)

Gene: CTNNA1 (catenin alpha 1; plus strand). Cytogenetic location: 5q31.2.
Variant type: single nucleotide variant.
Coding change: c.1300G>C on transcript NM_001903.5 (MANE Select); coding-DNA position 1300, G replaced by C.
Protein change: p.Ala434Pro; replaces alanine 434 with proline.
Molecular consequence: missense variant. On other transcripts: 5 prime UTR variant (6), intron variant (3).
Genome position (GRCh38, 1-based): chr5:138,904,352, G>C. VCF-style: chr5-138904352-G-C. GRCh37 (hg19) VCF-style: chr5-138240041-G-C.
Other names: c.190G>C, p.Ala64Pro (NM_001323998.1, NM_001323999.1, NM_001324000.1 and 17 more transcripts); c.-208G>C (NM_001324006.1, NM_001324007.1, NM_001324008.1 and 1 more transcripts); c.-54G>C (NM_001324012.1, NM_001324013.1); c.1297-13390G>C (NM_001323986.2); c.187-13390G>C (NM_001324011.1); c.-60-13390G>C (NM_001324010.1); c.1300G>C (NM_001903.4); c.1300G>C, p.Ala434Pro (NM_001290307.3, NM_001323982.2, NM_001323983.1 and 2 more transcripts); and 2 more; short protein forms A331P, A311P, A434P, A64P.
Identifiers: ClinVar variation 953983 (VCV000953983.14), dbSNP rs1758706957, ClinGen allele CA361135868.
Genomic context (GRCh38, chr5:138,904,352, plus strand): 5'-TTTTTCCTTAGCAGTCAAAAGAGAAAAATCTTTAAAGATTATTTTTTATGTTTATAGGTT[G>C]CCAACTTGGCCTGTTCCATCTCAAATAATGAAGAAGGTGTAAAGCTTGTTCGAATGTCTG-3'
Protein context (NP_001894.2, residues 424-444): REHANKLIEV[Ala434Pro]NLACSISNNE